The following is an entry in ClinVar:

NM_145728.3(SYNM):c.4535G>A (p.Gly1512Glu)

Gene: SYNM (synemin; plus strand). Cytogenetic location: 15q26.3.
Variant type: single nucleotide variant.
Coding change: c.4535G>A on transcript NM_145728.3 (MANE Select); coding-DNA position 4535, G replaced by A.
Protein change: p.Gly1512Glu; replaces glycine 1512 with glutamic acid.
Molecular consequence: missense variant.
Genome position (GRCh38, 1-based): chr15:99,132,895, G>A. VCF-style: chr15-99132895-G-A. GRCh37 (hg19) VCF-style: chr15-99673100-G-A.
Other names: c.3599G>A, p.Gly1200Glu (NM_015286.6); short protein forms G1200E, G1512E.
Identifiers: ClinVar variation 4871964 (VCV004871964.2).
Genomic context (GRCh38, chr15:99,132,895, plus strand): 5'-ACGCGGACAGTAGGAATGACCAGGCAGTTGGTGTGAGCTTTAAGGCCTCTGCTGGGGAAG[G>A]AGACCAGGCCCACAGAGAACAGGGCAAGGAGCAGGCCATGTTTGATAAGAAGGTGCAGCT-3'
Protein context (NP_663780.2, residues 1502-1522): GVSFKASAGE[Gly1512Glu]DQAHREQGKE

ClinVar aggregate classification (germline): Likely benign (1 of 4 stars; one submission).

gnomAD v4.1: 2,849 of 1,613,922 alleles (0.18%); highest among the groups gnomAD compares: Middle Eastern, 0.81%; 4 homozygotes.

Submission:

CeGaT Center for Human Genetics Tuebingen
Classification: Likely benign. Last evaluated: 2026-09-01. Review status: criteria provided, single submitter. Criteria: CeGaT Center For Human Genetics Tuebingen Variant Classification Criteria Version 2. Collection method: clinical testing. Allele origin: germline. Affected: yes. Observed: 2 variant alleles.
Comment: SYNM: BP4